The following is an entry in ClinVar:

ClinVar aggregate classification (germline): Likely benign (1 of 4 stars; one submission).

Submission:

CeGaT Center for Human Genetics Tuebingen
Classification: Likely benign. Last evaluated: 2024-10-01. Review status: criteria provided, single submitter. Criteria: CeGaT Center For Human Genetics Tuebingen Variant Classification Criteria Version 2. Collection method: clinical testing. Allele origin: germline. Affected: yes. Observed: 1 variant allele.
Comment: MUC5B: BP4, BS1

NM_002458.3(MUC5B):c.6155C>T (p.Pro2052Leu)

Genes: MUC5B (mucin 5B, oligomeric mucus/gel-forming; plus strand), MUC5B-AS1 (MUC5B antisense RNA 1; minus strand). Cytogenetic location: 11p15.5.
Variant type: single nucleotide variant.
Coding change: c.6155C>T on transcript NM_002458.3 (MANE Select); coding-DNA position 6155, C replaced by T.
Protein change: p.Pro2052Leu; replaces proline 2052 with leucine.
Molecular consequence: missense variant.
Genome position (GRCh38, 1-based): chr11:1,243,035, C>T. VCF-style: chr11-1243035-C-T. GRCh37 (hg19) VCF-style: chr11-1264265-C-T.
Other names: short protein forms P2052L.
Identifiers: ClinVar variation 3388715 (VCV003388715.14).